The following is an entry in ClinVar:

ClinVar aggregate classification (germline): Uncertain significance (1 of 4 stars; one submission).

Submission:

GeneDx
Classification: Uncertain significance. Last evaluated: 2021-08-08. Review status: criteria provided, single submitter. Criteria: GeneDx Variant Classification Process June 2021. Collection method: clinical testing. Allele origin: germline. Affected: yes.
Comment: Not observed at significant frequency in large population cohorts (gnomAD); Missense variants in this gene are often considered pathogenic (HGMD); In silico analysis supports that this missense variant has a deleterious effect on protein structure/function; Has not been previously published as pathogenic or benign to our knowledge

NM_001184880.2(PCDH19):c.335T>A (p.Ile112Asn)

Gene: PCDH19 (protocadherin 19; minus strand). Cytogenetic location: Xq22.1.
Variant type: single nucleotide variant.
Coding change: c.335T>A on transcript NM_001184880.2 (MANE Select); coding-DNA position 335, T replaced by A.
Protein change: p.Ile112Asn; replaces isoleucine 112 with asparagine.
Molecular consequence: missense variant.
Genome position (GRCh38, 1-based): chrX:100,408,263, A>T on the plus strand (T>A on the coding strand, the complement: PCDH19 is on the minus strand). VCF-style: chrX-100408263-A-T. GRCh37 (hg19) VCF-style: chrX-99663261-A-T.
Other names: c.335T>A, p.Ile112Asn (NM_001105243.2, NM_020766.3); short protein forms I112N.
Identifiers: ClinVar variation 1341637 (VCV001341637.2), dbSNP rs2147542128, ClinGen allele CA414010553.
Genomic context (GRCh38, chrX:100,408,263, plus strand): 5'-GCTGCCGGGAAACTGGGCGCATTGTCGTTCAGGTCCTTGATCTCCACCTTTATCACGCAG[A>T]TTTCCATTGAGCTGGACATGACCTCGAGCGAGATGATGCACTTGGGGCTCTGGCGGCACA-3'
Protein context (NP_001171809.1, residues 102-122): SLEVMSSSME[Ile112Asn]CVIKVEIKDL